The following is an entry in ClinVar:

NM_001258392.3(CLPB):c.992T>C (p.Ile331Thr)

Gene: CLPB (ClpB family mitochondrial disaggregase; minus strand). Cytogenetic location: 11q13.4.
Variant type: single nucleotide variant.
Coding change: c.992T>C on transcript NM_001258392.3 (MANE Select); coding-DNA position 992, T replaced by C.
Protein change: p.Ile331Thr; replaces isoleucine 331 with threonine.
Molecular consequence: missense variant.
Genome position (GRCh38, 1-based): chr11:72,308,601, A>G on the plus strand (T>C on the coding strand, the complement: CLPB is on the minus strand). VCF-style: chr11-72308601-A-G. GRCh37 (hg19) VCF-style: chr11-72019645-A-G.
Other names: c.905T>C, p.Ile302Thr (NM_001258393.3); c.947T>C, p.Ile316Thr (NM_001258394.3); c.1082T>C, p.Ile361Thr (NM_030813.6); short protein forms I361T, I302T, I316T, I331T.
Identifiers: ClinVar variation 1487165 (VCV001487165.6), dbSNP rs2135512844, ClinGen allele CA381736509.

ClinVar aggregate classification (germline): Uncertain significance (1 of 4 stars; one submission).

Conditions:
3-methylglutaconic aciduria, type VIIB (MGCA7B). Also called: CLPB Deficiency; 3-methylglutaconic aciduria with cataracts, neurologic involvement and neutropenia; 3-methylglutaconic aciduria, type VII, with cataracts, neurologic involvement and neutropenia. Identifiers: Orphanet 445038, MedGen C5676893, MONDO:0014561, OMIM 616271.

Submission:

Labcorp Genetics (formerly Invitae), Labcorp
Classification: Uncertain significance for 3-methylglutaconic aciduria, type VIIB. Last evaluated: 2025-02-06. Review status: criteria provided, single submitter. Criteria: Invitae Variant Classification Sherloc (09022015). Collection method: clinical testing. Allele origin: germline.
Comment: This sequence change replaces isoleucine, which is neutral and non-polar, with threonine, which is neutral and polar, at codon 361 of the CLPB protein (p.Ile361Thr). This variant is not present in population databases (gnomAD no frequency). This variant has not been reported in the literature in individuals affected with CLPB-related conditions. ClinVar contains an entry for this variant (Variation ID: 1487165). An algorithm developed to predict the effect of missense changes on protein structure and function (PolyPhen-2) suggests that this variant is likely to be disruptive. In summary, the available evidence is currently insufficient to determine the role of this variant in disease. Therefore, it has been classified as a Variant of Uncertain Significance.